The following is an entry in ClinVar:

ClinVar aggregate classification (germline): Uncertain significance (1 of 4 stars; one submission).

Conditions:
Hereditary cancer-predisposing syndrome. Also called: Tumor predisposition; Hereditary Cancer Syndrome; Hereditary neoplastic syndrome; Neoplastic Syndromes, Hereditary. Identifiers: Orphanet 140162, MedGen C0027672, MeSH D009386, MONDO:0015356.

Submission:

Ambry Genetics
Classification: Uncertain significance for Hereditary cancer-predisposing syndrome. Last evaluated: 2024-05-10. Review status: criteria provided, single submitter. Criteria: Ambry Variant Classification Scheme 2023. Collection method: clinical testing. Allele origin: germline.
Comment: The p.D752H variant (also known as c.2254G>C), located in coding exon 13 of the PMS2 gene, results from a G to C substitution at nucleotide position 2254. The aspartic acid at codon 752 is replaced by histidine, an amino acid with similar properties. This amino acid position is conserved. In addition, the in silico prediction for this alteration is inconclusive. Based on the available evidence, the clinical significance of this variant remains unclear.

NM_000535.7(PMS2):c.2254G>C (p.Asp752His)

Gene: PMS2 (PMS1 homolog 2, mismatch repair system component; minus strand). Cytogenetic location: 7p22.1.
Variant type: single nucleotide variant.
Coding change: c.2254G>C on transcript NM_000535.7 (MANE Select); coding-DNA position 2254, G replaced by C.
Protein change: p.Asp752His; replaces aspartic acid 752 with histidine.
Molecular consequence: missense variant. On other transcripts: non-coding transcript variant (1), intron variant (2).
Genome position (GRCh38, 1-based): chr7:5,978,617, C>G on the plus strand (G>C on the coding strand, the complement: PMS2 is on the minus strand). VCF-style: chr7-5978617-C-G. GRCh37 (hg19) VCF-style: chr7-6018248-C-G.
Other names: c.1849G>C, p.Asp617His (NM_001322003.2, NM_001322004.2, NM_001322005.2 and 14 more transcripts); c.2098G>C, p.Asp700His (NM_001322006.2, NM_001406870.1); c.1936G>C, p.Asp646His (NM_001322007.2, NM_001322008.2, NM_001406883.1 and 1 more transcripts); c.1693G>C, p.Asp565His (NM_001322010.2, NM_001406906.1, NM_001406907.1); c.1321G>C, p.Asp441His (NM_001322011.2, NM_001322012.2); c.1681G>C, p.Asp561His (NM_001322013.2, NM_001406908.1, NM_001406909.1); c.2254G>C, p.Asp752His (NM_001322014.2); c.1945G>C, p.Asp649His (NM_001406877.1, NM_001406878.1, NM_001406879.1 and 5 more transcripts); and 16 more; short protein forms D495H, D590H, D594H, D644H, D700H, D716H, D760H, D814H.
Identifiers: ClinVar variation 3308109 (VCV003308109.1).
Genomic context (GRCh38, chr7:5,978,617, plus strand): 5'-CACCACACCCAGCCGCTATAGTTCTAATTAATAACTTACCATTTTCATCGATAACAAAAT[C>G]AAAGCCATTCTTTCTAAATATTTCCAGATTTTCTATCAGAACAGCTTCATTAACAGCAGT-3'
Protein context (NP_000526.2, residues 742-762): NLEIFRKNGF[Asp752His]FVIDENAPVT